The following is an entry in ClinVar:

NM_014141.6(CNTNAP2):c.1264G>A (p.Val422Met)

Gene: CNTNAP2 (contactin associated protein 2; plus strand). Cytogenetic location: 7q35.
Variant type: single nucleotide variant.
Coding change: c.1264G>A on transcript NM_014141.6 (MANE Select); coding-DNA position 1264, G replaced by A.
Protein change: p.Val422Met; replaces valine 422 with methionine.
Molecular consequence: missense variant.
Genome position (GRCh38, 1-based): chr7:147,132,425, G>A. VCF-style: chr7-147132425-G-A. GRCh37 (hg19) VCF-style: chr7-146829517-G-A.
Other names: p.V422M:GTG>ATG; short protein forms V422M.
Identifiers: ClinVar variation 205238 (VCV000205238.2), dbSNP rs796052372, ClinGen allele CA314110.

ClinVar aggregate classification (germline): Uncertain significance (1 of 4 stars; one submission).

Submission:

GeneDx
Classification: Uncertain significance. Last evaluated: 2014-10-21. Review status: criteria provided, single submitter. Criteria: GeneDx Variant Classification (06012015). Collection method: clinical testing. Allele origin: germline. Affected: yes.
Comment: p.Val422Met (GTG>ATG): c.1264 G>A in exon 8 of the CNTNAP2 gene (NM_014141.5). The V422M variant has not been published as a mutation, nor has it been reported as a benign polymorphism to our knowledge. It was not observed in approximately 6,500 individuals of European and African American ancestry in the NHLBI Exome Sequencing Project, indicating it is not a common benign variant in these populations. The V422M variant is a conservative amino acid substitution, which is not likely to impact secondary protein structure as these residues share similar properties. This substitution occurs at a position in the predicted extracellular domain that is not conserved across species. However, in silico analysis predicts this variant is probably damaging to the protein structure/function. Therefore, based on the currently available information, it is unclear whether this variant is a pathogenic mutation or a rare benign variant. The variant is found in INFANT-EPI panel(s).